The following is an entry in ClinVar:

ClinVar aggregate classification (germline): Likely pathogenic (1 of 4 stars; one submission).

Conditions:
Cardiovascular phenotype. Identifiers: MedGen CN230736.

Submission:

Ambry Genetics
Classification: Likely pathogenic for Cardiovascular phenotype. Last evaluated: 2020-09-16. Review status: criteria provided, single submitter. Criteria: Ambry Variant Classification Scheme 2023. Collection method: clinical testing. Allele origin: germline.
Comment: The c.28074+1G>A intronic variant results from a G to A substitution one nucleotide after coding exon 111 of the TTN gene. Exon 111 is located in the A-band region of the N2-B isoform of the titin protein and is constitutively expressed in TTN transcripts (percent spliced in or PSI 100%). This alteration disrupts the canonical splice site and is expected to cause aberrant splicing, resulting in an abnormal protein or a transcript that is subject to nonsense-mediated mRNA decay. While loss of function variants in TTN are present in 1-3% of the general population, truncating variants (a category that includes canonical splice site variants) in the A-band are the most common cause of dilated cardiomyopathy (DCM) (Herman DS et al. N. Engl. J. Med., 2012 Feb;366:619-28; Roberts AM et al. Sci Transl Med, 2015 Jan;7:270ra6). TTN truncating variants encoded in constitutive exons (PSI >90%) have been found to be significantly associated with DCM regardless of their position in titin (Schafer S et al. Nat. Genet., 2017 01;49:46-53). As such, this alteration is classified as likely pathogenic.

NM_001267550.2(TTN):c.55269+1G>A

Genes: TTN (titin; minus strand), TTN-AS1 (TTN antisense RNA 1; plus strand). Cytogenetic location: 2q31.2.
Variant type: single nucleotide variant.
Coding change: c.55269+1G>A on transcript NM_001267550.2 (MANE Select); the canonical splice donor site of the intron after coding-DNA position 55269, G replaced by A.
Molecular consequence: splice donor variant.
Genome position (GRCh38, 1-based): chr2:178,602,001, C>T on the plus strand (G>A on the coding strand, the complement: TTN is on the minus strand). VCF-style: chr2-178602001-C-T. GRCh37 (hg19) VCF-style: chr2-179466728-C-T.
Other names: c.28074+1G>A (NM_003319.4); c.28650+1G>A (NM_133437.4); c.28449+1G>A (NM_133432.3); c.47565+1G>A (NM_133378.4); c.50346+1G>A (NM_001256850.1).
Identifiers: ClinVar variation 1796273 (VCV001796273.2), dbSNP rs2470031684, ClinGen allele CA349543216.